The following is an entry in ClinVar:

ClinVar aggregate classification (germline): Uncertain significance (1 of 4 stars; one submission).

Conditions:
Spastic ataxia 2. Also called: Ataxia, spastic, 2, autosomal recessive. Identifiers: Orphanet 397946, MedGen C1969796, MONDO:0012651, OMIM 611302.

Allele frequency attached by ClinVar (database versions not stated): gnomAD 0.00001 and 0.00002; gnomAD exomes 0.00003; TOPMed 0.00003; ExAC 0.00004; ESP Exome Variant Server 0.00015.
gnomAD v4.1: 42 of 1,612,858 alleles (0.0026%); highest among the groups gnomAD compares: Non-Finnish European, 0.0033%; no homozygotes.

Submission:

Labcorp Genetics (formerly Invitae), Labcorp
Classification: Uncertain significance for Spastic ataxia 2. Last evaluated: 2025-10-02. Review status: criteria provided, single submitter. Criteria: Invitae Variant Classification Sherloc (09022015). Collection method: clinical testing. Allele origin: germline.
Comment: This sequence change falls in intron 5 of the KIF1C gene. It does not directly change the encoded amino acid sequence of the KIF1C protein. It affects a nucleotide within the consensus splice site. This variant is present in population databases (rs368371260, gnomAD 0.005%). This variant has not been reported in the literature in individuals affected with KIF1C-related conditions. ClinVar contains an entry for this variant (Variation ID: 1017991). Variants that disrupt the consensus splice site are a relatively common cause of aberrant splicing (PMID: 17576681, 9536098). Algorithms developed to predict the effect of sequence changes on RNA splicing suggest that this variant is not likely to affect RNA splicing. In summary, the available evidence is currently insufficient to determine the role of this variant in disease. Therefore, it has been classified as a Variant of Uncertain Significance.

Literature cited by the submitters: PubMed 17576681; PubMed 9536098.

NM_006612.6(KIF1C):c.363+4C>T

Gene: KIF1C (kinesin family member 1C; plus strand). Cytogenetic location: 17p13.2.
Variant type: single nucleotide variant.
Coding change: c.363+4C>T on transcript NM_006612.6 (MANE Select); 4 bases into the intron after coding-DNA position 363, C replaced by T.
Molecular consequence: intron variant.
Genome position (GRCh38, 1-based): chr17:5,001,405, C>T. VCF-style: chr17-5001405-C-T. GRCh37 (hg19) VCF-style: chr17-4904700-C-T.
Identifiers: ClinVar variation 1017991 (VCV001017991.7), dbSNP rs368371260, ClinGen allele CA8318512.